The following is an entry in ClinVar:

ClinVar aggregate classification (germline): Uncertain significance (1 of 4 stars; one submission).

Conditions:
Microcephaly, normal intelligence and immunodeficiency (NBS). Also called: Nijmegen breakage syndrome; Microcephaly with normal intelligence immunodeficiency and lymphoreticular malignancies; Nonsyndromal microcephaly autosomal recessive with normal intelligence; Seemanova syndrome 2; Immunodeficiency, microcephaly with normal intelligence; Ataxia telangiectasia variant V1. Identifiers: Orphanet 647, MedGen C0398791, MONDO:0009623, OMIM 251260.

Submission:

Labcorp Genetics (formerly Invitae), Labcorp
Classification: Uncertain significance for Microcephaly, normal intelligence and immunodeficiency. Last evaluated: 2023-11-10. Review status: criteria provided, single submitter. Criteria: Invitae Variant Classification Sherloc (09022015). Collection method: clinical testing. Allele origin: germline.
Comment: This sequence change falls in intron 9 of the NBN gene. It does not directly change the encoded amino acid sequence of the NBN protein. Information on the frequency of this variant in the gnomAD database is not available, as this variant may be reported differently in the database. This variant has not been reported in the literature in individuals affected with NBN-related conditions. ClinVar contains an entry for this variant (Variation ID: 492077). Experimental studies and prediction algorithms are not available or were not evaluated, and the effect of this variant on mRNA splicing is currently unknown. In summary, the available evidence is currently insufficient to determine the role of this variant in disease. Therefore, it has been classified as a Variant of Uncertain Significance.

NM_002485.5(NBN):c.1124+18_1124+19delinsTT

Gene: NBN (nibrin; minus strand). Cytogenetic location: 8q21.3.
Variant type: Indel.
Coding change: c.1124+18_1124+19delinsTT on transcript NM_002485.5 (MANE Select); bases 18 to 19 of the intron after coding-DNA position 1124, CC replaced by TT.
Molecular consequence: intron variant.
Genome position (GRCh38, 1-based): chr8:89,958,706-89,958,707, GG replaced by AA on the plus strand (CC replaced by TT on the coding strand, the reverse complement: NBN is on the minus strand). VCF-style: chr8-89958706-GG-AA. GRCh37 (hg19) VCF-style: chr8-90970934-GG-AA.
Other names: c.878+18_878+19delinsTT (NM_001024688.3).
Identifiers: ClinVar variation 2724691 (VCV002724691.3), dbSNP rs1554560320, ClinGen allele CA658683536.